The following is an entry in ClinVar:

ClinVar aggregate classification (germline): Uncertain significance (1 of 4 stars; one submission).

Conditions:
Cardiovascular phenotype. Identifiers: MedGen CN230736.

Submission:

Ambry Genetics
Classification: Uncertain significance for Cardiovascular phenotype. Last evaluated: 2015-12-15. Review status: criteria provided, single submitter. Criteria: Ambry Variant Classification Scheme 2023. Collection method: clinical testing. Allele origin: germline.
Comment: The p.E3718K variant (also known as c.11152G>A), located in coding exon 81 of the RYR2 gene, results from a G to A substitution at nucleotide position 11152. The glutamic acid at codon 3718 is replaced by lysine, an amino acid with some similar properties. This variant was not reported in population based cohorts in the following databases: Database of Single Nucleotide Polymorphisms (dbSNP), NHLBI Exome Sequencing Project (ESP), and 1000 Genomes Project. In the ESP, this variant was not observed in 5993 samples (11986 alleles) with coverage at this position. This amino acid position is highly conserved in available vertebrate species. In addition, this alteration is predicted to be deleterious by in silico analysis. Since supporting evidence is limited at this time, the clinical significance of this variant remains unclear.

NM_001035.3(RYR2):c.11152G>A (p.Glu3718Lys)

Gene: RYR2 (ryanodine receptor 2; plus strand). Cytogenetic location: 1q43.
Variant type: single nucleotide variant.
Coding change: c.11152G>A on transcript NM_001035.3 (MANE Select); coding-DNA position 11152, G replaced by A.
Protein change: p.Glu3718Lys; replaces glutamic acid 3718 with lysine.
Molecular consequence: missense variant.
Genome position (GRCh38, 1-based): chr1:237,756,294, G>A. VCF-style: chr1-237756294-G-A. GRCh37 (hg19) VCF-style: chr1-237919594-G-A.
Other names: c.11152G>A, p.Glu3718Lys (LRG_402t1); short protein forms E3718K.
Identifiers: ClinVar variation 264589 (VCV000264589.5), dbSNP rs886039201, ClinGen allele CA10587432.